The following is an entry in ClinVar:

NM_006361.6(HOXB13):c.93C>T (p.Ser31=)

Gene: HOXB13 (homeobox B13; minus strand). Cytogenetic location: 17q21.32.
Variant type: single nucleotide variant.
Coding change: c.93C>T on transcript NM_006361.6 (MANE Select); coding-DNA position 93, C replaced by T.
Protein change: p.Ser31=; no amino-acid change (serine 31 retained).
Molecular consequence: synonymous variant.
Genome position (GRCh38, 1-based): chr17:48,728,501, G>A on the plus strand (C>T on the coding strand, the complement: HOXB13 is on the minus strand). VCF-style: chr17-48728501-G-A. GRCh37 (hg19) VCF-style: chr17-46805863-G-A.
Identifiers: ClinVar variation 823216 (VCV000823216.15), dbSNP rs1290541379, ClinGen allele CA500502956.

ClinVar aggregate classification (germline): Benign/Likely benign. Review status: criteria provided, multiple submitters, no conflicts (2 of 4 stars). 3 submissions from 3 submitters: Benign (1); Likely benign (2). Last evaluated 2025-05-25.

Conditions:
Prostate cancer, hereditary, 9 (HPC9). Identifiers: Orphanet 1331, MedGen C1970250, MONDO:0012597, OMIM 610997.
Hereditary cancer-predisposing syndrome. Also called: Tumor predisposition; Hereditary Cancer Syndrome; Neoplastic Syndromes, Hereditary; Hereditary neoplastic syndrome. Identifiers: Orphanet 140162, MedGen C0027672, MeSH D009386, MONDO:0015356.

Allele frequency attached by ClinVar (database versions not stated): gnomAD exomes below 0.00001; gnomAD 0.00001; TOPMed 0.00002.
gnomAD v4.1: 2 of 1,613,358 alleles (0.00012%); highest among the groups gnomAD compares: African/African-American, 0.0013%; no homozygotes.

Submissions (3):

Labcorp Genetics (formerly Invitae), Labcorp
Classification: Likely benign. Last evaluated: 2025-05-25. Review status: criteria provided, single submitter. Criteria: Invitae Variant Classification Sherloc (09022015). Collection method: clinical testing. Allele origin: germline.

Myriad Genetics, Inc.
Classification: Benign for Prostate cancer, hereditary, 9. Last evaluated: 2024-10-28. Review status: criteria provided, single submitter. Criteria: Myriad Autosomal Dominant, Autosomal Recessive and X-Linked Classification Criteria (2023). Collection method: clinical testing. Allele origin: unknown.
Comment: This variant is considered benign. This variant is a silent/synonymous amino acid change and it is not expected to impact splicing.

Ambry Genetics
Classification: Likely benign for Hereditary cancer-predisposing syndrome. Last evaluated: 2018-09-07. Review status: criteria provided, single submitter. Criteria: Ambry Variant Classification Scheme 2023. Collection method: clinical testing. Allele origin: germline.